The following is an entry in ClinVar:

ClinVar aggregate classification (germline): Uncertain significance (1 of 4 stars; one submission).

Conditions:
Gorlin syndrome. Also called: Nevoid Basal Cell Carcinoma Syndrome; Basal cell nevus syndrome. Identifiers: Orphanet 377, MedGen C0004779, MONDO:0007187.

Submission:

Labcorp Genetics (formerly Invitae), Labcorp
Classification: Uncertain significance for Gorlin syndrome. Last evaluated: 2021-08-18. Review status: criteria provided, single submitter. Criteria: Invitae Variant Classification Sherloc (09022015). Collection method: clinical testing. Allele origin: germline.
Comment: In summary, the available evidence is currently insufficient to determine the role of this variant in disease. Therefore, it has been classified as a Variant of Uncertain Significance. Algorithms developed to predict the effect of missense changes on protein structure and function are either unavailable or do not agree on the potential impact of this missense change (SIFT: "Deleterious"; PolyPhen-2: "Probably Damaging"; Align-GVGD: "Class C0"). This sequence change replaces threonine with isoleucine at codon 123 of the PTCH1 protein (p.Thr123Ile). The threonine residue is moderately conserved and there is a moderate physicochemical difference between threonine and isoleucine. This variant is not present in population databases (ExAC no frequency). This variant has not been reported in the literature in individuals with PTCH1-related conditions.

NM_000264.5(PTCH1):c.368C>T (p.Thr123Ile)

Gene: PTCH1 (patched 1; minus strand). Cytogenetic location: 9q22.32.
Variant type: single nucleotide variant.
Coding change: c.368C>T on transcript NM_000264.5 (MANE Select); coding-DNA position 368, C replaced by T.
Protein change: p.Thr123Ile; replaces threonine 123 with isoleucine.
Molecular consequence: missense variant. On other transcripts: 5 prime UTR variant (4), non-coding transcript variant (1).
Genome position (GRCh38, 1-based): chr9:95,506,433, G>A on the plus strand (C>T on the coding strand, the complement: PTCH1 is on the minus strand). VCF-style: chr9-95506433-G-A. GRCh37 (hg19) VCF-style: chr9-98268715-G-A.
Other names: c.170C>T, p.Thr57Ile (NM_001083602.3, NM_001354919.2); c.365C>T, p.Thr122Ile (NM_001083603.3); c.-86C>T (NM_001083604.3, NM_001083605.3, NM_001083606.3 and 1 more transcripts); c.368C>T, p.Thr123Ile (NM_001354918.2); short protein forms T122I, T123I, T57I.
Identifiers: ClinVar variation 1019569 (VCV001019569.9), dbSNP rs1843649762, ClinGen allele CA374120184.